The following is an entry in ClinVar:

NM_000541.5(SAG):c.435G>C (p.Lys145Asn)

Gene: SAG (S-antigen visual arrestin; plus strand). Cytogenetic location: 2q37.1.
Variant type: single nucleotide variant.
Coding change: c.435G>C on transcript NM_000541.5 (MANE Select); coding-DNA position 435, G replaced by C.
Protein change: p.Lys145Asn; replaces lysine 145 with asparagine.
Molecular consequence: missense variant.
Genome position (GRCh38, 1-based): chr2:233,323,005, G>C. VCF-style: chr2-233323005-G-C. GRCh37 (hg19) VCF-style: chr2-234231651-G-C.
Other names: short protein forms K145N.
Identifiers: ClinVar variation 1519702 (VCV001519702.8), dbSNP rs1448374338, ClinGen allele CA351046856.

ClinVar aggregate classification (germline): Uncertain significance (1 of 4 stars; one submission).

gnomAD v4.1: 8 of 1,558,026 alleles (0.00051%); highest among the groups gnomAD compares: Non-Finnish European, 0.0007%; no homozygotes.

Submission:

Labcorp Genetics (formerly Invitae), Labcorp
Classification: Uncertain significance. Last evaluated: 2021-03-25. Review status: criteria provided, single submitter. Criteria: Invitae Variant Classification Sherloc (09022015). Collection method: clinical testing. Allele origin: germline.
Comment: Algorithms developed to predict the effect of missense changes on protein structure and function are either unavailable or do not agree on the potential impact of this missense change (SIFT: "Deleterious"; PolyPhen-2: "Probably Damaging"; Align-GVGD: "Class C0"). Nucleotide substitutions within the consensus splice site are a relatively common cause of aberrant splicing (PMID: 17576681, 9536098). Algorithms developed to predict the effect of sequence changes on RNA splicing suggest that this variant may disrupt the consensus splice site, but this prediction has not been confirmed by published transcriptional studies. In summary, the available evidence is currently insufficient to determine the role of this variant in disease. Therefore, it has been classified as a Variant of Uncertain Significance. This variant has not been reported in the literature in individuals with SAG-related conditions. This variant is not present in population databases (ExAC no frequency). This sequence change replaces lysine with asparagine at codon 145 of the SAG protein (p.Lys145Asn). The lysine residue is highly conserved and there is a moderate physicochemical difference between lysine and asparagine. This variant also falls at the last nucleotide of exon 6, which is part of the consensus splice site for this exon.

Literature cited by the submitters: PubMed 17576681; PubMed 9536098.